The following is an entry in ClinVar:

NM_004415.4(DSP):c.3760G>A (p.Val1254Ile)

Gene: DSP (desmoplakin; plus strand). Cytogenetic location: 6p24.3.
Variant type: single nucleotide variant.
Coding change: c.3760G>A on transcript NM_004415.4 (MANE Select); coding-DNA position 3760, G replaced by A.
Protein change: p.Val1254Ile; replaces valine 1254 with isoleucine.
Molecular consequence: missense variant. On other transcripts: intron variant (1).
Genome position (GRCh38, 1-based): chr6:7,579,950, G>A. VCF-style: chr6-7579950-G-A. GRCh37 (hg19) VCF-style: chr6-7580183-G-A.
Other names: c.3760G>A, p.Val1254Ile (NM_001319034.2); c.3582+178G>A (NM_001008844.3); c.3760G>A (NM_004415.3, LRG_423t1); short protein forms V1254I.
Identifiers: ClinVar variation 581495 (VCV000581495.20), dbSNP rs778448699, ClinGen allele CA038929.

ClinVar aggregate classification (germline): Conflicting classifications of pathogenicity. Review status: criteria provided, conflicting classifications (1 of 4 stars). 6 submissions from 6 submitters: Uncertain significance (5); Likely benign (1). Last evaluated 2026-03-27.

Conditions:
Arrhythmogenic right ventricular dysplasia 8 (ARVD8). Also called: Arrhythmogenic Right Ventricular Dysplasia/Cardiomyopathy 8; ARRHYTHMOGENIC RIGHT VENTRICULAR DYSPLASIA, FAMILIAL, 8; ARRHYTHMOGENIC RIGHT VENTRICULAR CARDIOMYOPATHY 8. Identifiers: MedGen C1843896, MONDO:0011831, OMIM 607450.
Arrhythmogenic cardiomyopathy with wooly hair and keratoderma. Also called: Arrhythmogenic cardiomyopathy with woolly hair and keratoderma; Carvajal syndrome; PALMOPLANTAR KERATODERMA WITH LEFT VENTRICULAR CARDIOMYOPATHY AND WOOLLY HAIR; Dilated cardiomyopathy with woolly hair and keratoderma. Identifiers: Orphanet 65282, MedGen C1854063, MONDO:0011581, OMIM 605676.
Cardiovascular phenotype. Identifiers: MedGen CN230736.
Cardiomyopathy (CMYO). Also called: Cardiomyopathies. Identifiers: Orphanet 167848, MedGen C0878544, MONDO:0004994, HP:0001638. Inheritance: Various modes of inheritance.

Allele frequency attached by ClinVar (database versions not stated): gnomAD 0.00001; TOPMed 0.00001; ExAC 0.00003; gnomAD exomes 0.00003.
gnomAD v4.1: 28 of 1,614,046 alleles (0.0017%); highest among the groups gnomAD compares: Non-Finnish European, 0.0024%; no homozygotes.

Submissions (6):

Molecular Diagnostic Laboratory for Inherited Cardiovascular Disease, Montreal Heart Institute
Classification: Uncertain significance for Cardiovascular phenotype. Last evaluated: 2026-03-27. Review status: criteria provided, single submitter. Criteria: ACMG Guidelines, 2015. Collection method: clinical testing. Allele origin: germline. Affected: yes.
Comment: PM2

Labcorp Genetics (formerly Invitae), Labcorp
Classification: Likely benign for Arrhythmogenic cardiomyopathy with wooly hair and keratoderma; Arrhythmogenic right ventricular dysplasia 8. Last evaluated: 2025-01-12. Review status: criteria provided, single submitter. Criteria: Invitae Variant Classification Sherloc (09022015). Collection method: clinical testing. Allele origin: germline.

Ambry Genetics
Classification: Uncertain significance for Cardiovascular phenotype. Last evaluated: 2024-10-16. Review status: criteria provided, single submitter. Criteria: Ambry Variant Classification Scheme 2023. Collection method: clinical testing. Allele origin: germline.
Comment: The p.V1254I variant (also known as c.3760G>A), located in coding exon 23 of the DSP gene, results from a G to A substitution at nucleotide position 3760. The valine at codon 1254 is replaced by isoleucine, an amino acid with highly similar properties. This amino acid position is not well conserved in available vertebrate species. In addition, this alteration is predicted to be tolerated by in silico analysis. Based on the available evidence, the clinical significance of this variant remains unclear.

Color Diagnostics, LLC DBA Color Health
Classification: Uncertain significance for Cardiomyopathy. Last evaluated: 2024-03-06. Review status: criteria provided, single submitter. Criteria: ACMG Guidelines, 2015. Collection method: clinical testing. Allele origin: germline.
Comment: This missense variant replaces valine with isoleucine at codon 1254 of the DSP protein. Computational prediction suggests that this variant may not impact protein structure and function (internally defined REVEL score threshold <= 0.5, PMID: 27666373). To our knowledge, functional studies have not been reported for this variant. This variant has not been reported in individuals affected with cardiovascular disorders in the literature. This variant has been identified in 8/250684 chromosomes in the general population by the Genome Aggregation Database (gnomAD). The available evidence is insufficient to determine the role of this variant in disease conclusively. Therefore, this variant is classified as a Variant of Uncertain Significance.

All of Us Research Program, National Institutes of Health
Classification: Uncertain significance for Arrhythmogenic cardiomyopathy with wooly hair and keratoderma. Last evaluated: 2024-01-11. Review status: criteria provided, single submitter. Criteria: ACMG Guidelines, 2015. Collection method: clinical testing. Allele origin: germline. Inheritance: Autosomal dominant inheritance. Observed: 5 variant alleles, 5 heterozygotes.
Comment: This missense variant replaces valine with isoleucine at codon 1254 of the DSP protein. Computational prediction suggests that this variant may not impact protein structure and function (internally defined REVEL score threshold <= 0.5, PMID: 27666373). To our knowledge, functional studies have not been reported for this variant. This variant has not been reported in individuals affected with cardiovascular disorders in the literature. This variant has been identified in 8/250684 chromosomes in the general population by the Genome Aggregation Database (gnomAD). The available evidence is insufficient to determine the role of this variant in disease conclusively. Therefore, this variant is classified as a Variant of Uncertain Significance.

This study involves interpretation of variants in research participants for the purpose of population health screening. Participant phenotype was not available at the time of variant classification. Additional details can be found in publication PMID: 35346344, PMCID: PMC8962531

Blueprint Genetics
Classification: Uncertain significance. Last evaluated: 2022-06-15. Review status: criteria provided, single submitter. Criteria: ACMG Guidelines, 2015. Collection method: clinical testing. Allele origin: germline.